The following is an entry in ClinVar:

NM_172245.4(CSF2RA):c.689C>G (p.Thr230Arg)

Gene: CSF2RA (colony stimulating factor 2 receptor subunit alpha; plus strand). Cytogenetic location: Xp22.33.
Variant type: single nucleotide variant.
Coding change: c.689C>G on transcript NM_172245.4 (MANE Select); coding-DNA position 689, C replaced by G.
Protein change: p.Thr230Arg; replaces threonine 230 with arginine.
Molecular consequence: missense variant. On other transcripts: non-coding transcript variant (1), intron variant (1).
Genome position (GRCh38, 1-based): chrX:1,294,370, C>G. VCF-style: chrX-1294370-C-G. GRCh37 (hg19) VCF-style: chrX-1413263-C-G.
Other names: c.689C>G, p.Thr230Arg (NM_001161529.2, NM_001161530.2, NM_001161531.2 and 19 more transcripts); c.290C>G, p.Thr97Arg (NM_001161532.2); c.670C>G, p.Arg224Gly (NM_001379166.1); c.646+3861C>G (NM_172249.4); short protein forms R224G, T230R, T97R.
Identifiers: ClinVar variation 2010298 (VCV002010298.3), dbSNP rs371464087, ClinGen allele CA412235944.

ClinVar aggregate classification (germline): Uncertain significance (1 of 4 stars; one submission).

Conditions:
Surfactant metabolism dysfunction, pulmonary, 4 (SMDP4). Also called: PAP DUE TO CSF2RA DEFICIENCY; PULMONARY ALVEOLAR PROTEINOSIS, CONGENITAL, 4; CSF2RA DEFICIENCY. Identifiers: Orphanet 264675, MedGen C2677877, MONDO:0010424, OMIM 300770.

Submission:

Labcorp Genetics (formerly Invitae), Labcorp
Classification: Uncertain significance for Surfactant metabolism dysfunction, pulmonary, 4. Last evaluated: 2024-10-16. Review status: criteria provided, single submitter. Criteria: Invitae Variant Classification Sherloc (09022015). Collection method: clinical testing. Allele origin: germline.
Comment: This sequence change replaces threonine, which is neutral and polar, with arginine, which is basic and polar, at codon 230 of the CSF2RA protein (p.Thr230Arg). This variant is not present in population databases (gnomAD no frequency). This variant has not been reported in the literature in individuals affected with CSF2RA-related conditions. ClinVar contains an entry for this variant (Variation ID: 2010298). Invitae Evidence Modeling of protein sequence and biophysical properties (such as structural, functional, and spatial information, amino acid conservation, physicochemical variation, residue mobility, and thermodynamic stability) indicates that this missense variant is not expected to disrupt CSF2RA protein function with a negative predictive value of 80%. Algorithms developed to predict the effect of sequence changes on RNA splicing suggest that this variant may create or strengthen a splice site. In summary, the available evidence is currently insufficient to determine the role of this variant in disease. Therefore, it has been classified as a Variant of Uncertain Significance.